The following is an entry in ClinVar:

ClinVar aggregate classification (germline): Uncertain significance. Review status: criteria provided, multiple submitters, no conflicts (2 of 4 stars). 2 submissions from 2 submitters: Uncertain significance (2). Last evaluated 2025-01-21.

Conditions:
Leukoencephalopathy with brain stem and spinal cord involvement-high lactate syndrome (LBSL). Also called: LEUKOENCEPHALOPATHY WITH BRAINSTEM AND SPINAL CORD INVOLVEMENT AND LACTATE ELEVATION, MILD; MITOCHONDRIAL ASPARTYL-tRNA SYNTHETASE DEFICIENCY; Leukoencephalopathy with Brainstem and Spinal Cord Involvement and Lactate Elevation. Identifiers: Orphanet 137898, MedGen C1970180, MONDO:0012622, OMIM 611105.

Allele frequency attached by ClinVar (database versions not stated): gnomAD exomes below 0.00001; TOPMed 0.00001; gnomAD 0.00002 and 0.00003.
gnomAD v4.1: 7 of 1,613,860 alleles (0.00043%); highest among the groups gnomAD compares: African/African-American, 0.008%; no homozygotes.

Submissions (2):

Broad Center for Mendelian Genomics, Broad Institute of MIT and Harvard
Classification: Uncertain significance for Leukoencephalopathy with brain stem and spinal cord involvement-high lactate syndrome. Last evaluated: 2025-01-21. Review status: criteria provided, single submitter. Criteria: ACMG Guidelines, 2015. Collection method: curation. Allele origin: germline. Inheritance: Autosomal recessive inheritance.
Comment: The p.Phe157Ile variant in DARS2 has been reported, in the compound heterozygous state, in 1 individual with leukoencephalopathy with brain stem and spinal cord involvement-high lactate syndrome (PMID: 33977142), and has been identified in 0.01% (1/8714) of African/African American chromosomes by the Genome Aggregation Database (gnomAD; dbSNP rs1366700431). Although this variant has been seen in the general population in a heterozygous state, its frequency is not high enough to be consistent with a recessive carrier frequency. This variant has also been reported in ClinVar (Variation ID: 451396) and has been interpreted as a variant of unknown significance by GeneDx. Computational prediction tools and conservation analyses do not provide strong support for or against an impact to the protein. In summary, the clinical significance of the p.Phe157Ile variant is uncertain. ACMG/AMP Criteria applied: PM2_supporting, PM3 (Richards 2015).

GeneDx
Classification: Uncertain significance. Last evaluated: 2017-08-21. Review status: criteria provided, single submitter. Criteria: GeneDx Variant Classification (06012015). Collection method: clinical testing. Allele origin: germline. Affected: yes.
Comment: The F157I variant in the DARS2 gene has not been reported previously as a pathogenic variant, nor as a benign variant, to our knowledge. The F157I variant is not observed in large population cohorts (Lek et al., 2016; 1000 Genomes Consortium et al., 2015; Exome Variant Server). The F157I variant is a conservative amino acid substitution, which is not likely to impact secondary protein structure as these residues share similar properties. This substitution occurs at a position that is conserved across species. In silico analysis predicts this variant is probably damaging to the protein structure/function. We interpret F157I as a variant of uncertain significance.

NM_018122.5(DARS2):c.469T>A (p.Phe157Ile)

Gene: DARS2 (aspartyl-tRNA synthetase 2, mitochondrial; plus strand). Cytogenetic location: 1q25.1.
Variant type: single nucleotide variant.
Coding change: c.469T>A on transcript NM_018122.5 (MANE Select); coding-DNA position 469, T replaced by A.
Protein change: p.Phe157Ile; replaces phenylalanine 157 with isoleucine.
Molecular consequence: missense variant.
Genome position (GRCh38, 1-based): chr1:173,831,607, T>A. VCF-style: chr1-173831607-T-A. GRCh37 (hg19) VCF-style: chr1-173800745-T-A.
Other names: NM_018122.5(DARS2):c.469T>A; p.Phe157Ile; c.469T>A, p.Phe157Ile (NM_001365212.1, NM_001365213.2); short protein forms F157I.
Identifiers: ClinVar variation 451396 (VCV000451396.3), dbSNP rs1366700431, ClinGen allele CA343759310.
Genomic context (GRCh38, chr1:173,831,607, plus strand): 5'-GGTGAGATTGAAATCAAAGTTAAAACAGCTGAGCTTCTGAATGCCTGCAAGAAGCTGCCC[T>A]TTGAAATTAAGAACTTCGTGAAGGTACCAACCTCTGTTATTAATAAAATAGAGTATCTAG-3'
Protein context (NP_060592.2, residues 147-167): ELLNACKKLP[Phe157Ile]EIKNFVKKTE